The following is an entry in ClinVar:

NM_004341.5(CAD):c.4679A>G (p.Asn1560Ser)

Gene: CAD (carbamoyl-phosphate synthetase 2, aspartate transcarbamylase, and dihydroorotase; plus strand). Cytogenetic location: 2p23.3.
Variant type: single nucleotide variant.
Coding change: c.4679A>G on transcript NM_004341.5 (MANE Select); coding-DNA position 4679, A replaced by G.
Protein change: p.Asn1560Ser; replaces asparagine 1560 with serine.
Molecular consequence: missense variant.
Genome position (GRCh38, 1-based): chr2:27,237,833, A>G. VCF-style: chr2-27237833-A-G. GRCh37 (hg19) VCF-style: chr2-27460701-A-G.
Other names: c.4490A>G, p.Asn1497Ser (NM_001306079.2); c.4679A>G (NM_004341.3); short protein forms N1497S, N1560S.
Identifiers: ClinVar variation 1381260 (VCV001381260.5), dbSNP rs753379195, ClinGen allele CA1573608.
Genomic context (GRCh38, chr2:27,237,833, plus strand): 5'-AAAATGCAGGAACCTTGGGCACCGTGGCCGGGTCTGCAGCCGGGCTGAAGCTTTACCTCA[A>G]TGAGACCTTCTCTGAGCTGCGGCTGGACAGCGTGGTCCAGTGGATGGAGGTAGGGAGTGT-3'
Protein context (NP_004332.2, residues 1550-1570): GSAAGLKLYL[Asn1560Ser]ETFSELRLDS

ClinVar aggregate classification (germline): Uncertain significance. Review status: criteria provided, multiple submitters, no conflicts (2 of 4 stars). 2 submissions from 2 submitters: Uncertain significance (2). Last evaluated 2025-08-09.

Conditions:
Inborn genetic diseases. Identifiers: MedGen C0950123, MeSH D030342.

Allele frequency attached by ClinVar (database versions not stated): gnomAD exomes 0.00001 and 0.00002; ExAC 0.00002; gnomAD 0.00002; TOPMed 0.00002.

Submissions (2):

Ambry Genetics
Classification: Uncertain significance for Inborn genetic diseases. Last evaluated: 2025-08-09. Review status: criteria provided, single submitter. Criteria: Ambry Variant Classification Scheme 2023. Collection method: clinical testing. Allele origin: germline.

Labcorp Genetics (formerly Invitae), Labcorp
Classification: Uncertain significance. Last evaluated: 2022-04-19. Review status: criteria provided, single submitter. Criteria: Invitae Variant Classification Sherloc (09022015). Collection method: clinical testing. Allele origin: germline.
Comment: This sequence change replaces asparagine, which is neutral and polar, with serine, which is neutral and polar, at codon 1560 of the CAD protein (p.Asn1560Ser). This variant is present in population databases (rs753379195, gnomAD 0.004%). This variant has not been reported in the literature in individuals affected with CAD-related conditions. Algorithms developed to predict the effect of missense changes on protein structure and function output the following: SIFT: "Tolerated"; PolyPhen-2: "Probably Damaging"; Align-GVGD: "Class C0". The serine amino acid residue is found in multiple mammalian species, which suggests that this missense change does not adversely affect protein function. Algorithms developed to predict the effect of sequence changes on RNA splicing suggest that this variant may create or strengthen a splice site. In summary, the available evidence is currently insufficient to determine the role of this variant in disease. Therefore, it has been classified as a Variant of Uncertain Significance.